The following is an entry in ClinVar:

NM_198252.3(GSN):c.1724G>A (p.Arg575Gln)

Gene: GSN (gelsolin; plus strand). Cytogenetic location: 9q33.2.
Variant type: single nucleotide variant.
Coding change: c.1724G>A on transcript NM_198252.3 (MANE Select); coding-DNA position 1724, G replaced by A.
Protein change: p.Arg575Gln; replaces arginine 575 with glutamine.
Molecular consequence: missense variant.
Genome position (GRCh38, 1-based): chr9:121,327,444, G>A. VCF-style: chr9-121327444-G-A. GRCh37 (hg19) VCF-style: chr9-124089722-G-A.
Other names: c.1877G>A, p.Arg626Gln (NM_000177.5); c.1724G>A, p.Arg575Gln (NM_001127662.2, NM_001127664.2, NM_001353058.2 and 10 more transcripts); c.1832G>A, p.Arg611Gln (NM_001127663.2); c.1757G>A, p.Arg586Gln (NM_001353063.2, NM_001353064.2, NM_001353065.2 and 13 more transcripts); c.1070G>A, p.Arg357Gln (NM_001353078.2); c.1775G>A, p.Arg592Gln (NM_001258029.2); c.1748G>A, p.Arg583Gln (NM_001258030.2); c.1796G>A, p.Arg599Gln (NM_001353076.2); and 1 more; short protein forms R586Q, R592Q, R575Q, R611Q, R357Q, R583Q, R599Q, R626Q.
Identifiers: ClinVar variation 2967045 (VCV002967045.4), dbSNP rs572579017, ClinGen allele CA5221389.

ClinVar aggregate classification (germline): Uncertain significance. Review status: criteria provided, multiple submitters, no conflicts (2 of 4 stars). 2 submissions from 2 submitters: Uncertain significance (2). Last evaluated 2025-10-13.

Conditions:
Inborn genetic diseases. Identifiers: MedGen C0950123, MeSH D030342.

Allele frequency attached by ClinVar (database versions not stated): ExAC 0.00003; gnomAD exomes 0.00002; gnomAD 0.00001.
gnomAD v4.1: 31 of 1,599,210 alleles (0.0019%); highest among the groups gnomAD compares: African/African-American, 0.011%; no homozygotes.

Submissions (2):

Labcorp Genetics (formerly Invitae), Labcorp
Classification: Uncertain significance. Last evaluated: 2025-10-13. Review status: criteria provided, single submitter. Criteria: Invitae Variant Classification Sherloc (09022015). Collection method: clinical testing. Allele origin: germline.
Comment: This sequence change replaces arginine, which is basic and polar, with glutamine, which is neutral and polar, at codon 626 of the GSN protein (p.Arg626Gln). This variant is present in population databases (rs572579017, gnomAD 0.004%). This variant has not been reported in the literature in individuals affected with GSN-related conditions. ClinVar contains an entry for this variant (Variation ID: 2967045). Invitae Evidence Modeling of protein sequence and biophysical properties (such as structural, functional, and spatial information, amino acid conservation, physicochemical variation, residue mobility, and thermodynamic stability) indicates that this missense variant is not expected to disrupt GSN protein function with a negative predictive value of 80%. In summary, the available evidence is currently insufficient to determine the role of this variant in disease. Therefore, it has been classified as a Variant of Uncertain Significance.

Ambry Genetics
Classification: Uncertain significance for Inborn genetic diseases. Last evaluated: 2025-09-01. Review status: criteria provided, single submitter. Criteria: Ambry Variant Classification Scheme 2023. Collection method: clinical testing. Allele origin: germline.